The following is an entry in ClinVar:

ClinVar aggregate classification (germline): Uncertain significance. Review status: criteria provided, multiple submitters, no conflicts (2 of 4 stars). 2 submissions from 2 submitters: Uncertain significance (2). Last evaluated 2025-11-21.

Conditions:
Inborn genetic diseases. Identifiers: MedGen C0950123, MeSH D030342.
Focal segmental glomerulosclerosis 5 (FSGS5). Identifiers: Orphanet 656, MedGen C2750475, MONDO:0013191, OMIM 613237.
Charcot-Marie-Tooth disease dominant intermediate E. Also called: CHARCOT-MARIE-TOOTH NEUROPATHY WITH FOCAL SEGMENTAL GLOMERULONEPHRITIS. Identifiers: Orphanet 93114, MedGen C4302667, MONDO:0013758, OMIM 614455.

gnomAD v4.1: 2 of 1,612,518 alleles (0.00012%); no homozygotes.

Submissions (2):

Labcorp Genetics (formerly Invitae), Labcorp
Classification: Uncertain significance for Charcot-Marie-Tooth disease dominant intermediate E; Focal segmental glomerulosclerosis 5. Last evaluated: 2025-11-21. Review status: criteria provided, single submitter. Criteria: Invitae Variant Classification Sherloc (09022015). Collection method: clinical testing. Allele origin: germline.
Comment: This sequence change replaces alanine, which is neutral and non-polar, with threonine, which is neutral and polar, at codon 1003 of the INF2 protein (p.Ala1003Thr). This variant is not present in population databases (gnomAD no frequency). This variant has not been reported in the literature in individuals affected with INF2-related conditions. ClinVar contains an entry for this variant (Variation ID: 3529031). Invitae Evidence Modeling of protein sequence and biophysical properties (such as structural, functional, and spatial information, amino acid conservation, physicochemical variation, residue mobility, and thermodynamic stability) indicates that this missense variant is not expected to disrupt INF2 protein function with a negative predictive value of 95%. In summary, the available evidence is currently insufficient to determine the role of this variant in disease. Therefore, it has been classified as a Variant of Uncertain Significance.

Ambry Genetics
Classification: Uncertain significance for Inborn genetic diseases. Last evaluated: 2024-06-26. Review status: criteria provided, single submitter. Criteria: Ambry Variant Classification Scheme 2023. Collection method: clinical testing. Allele origin: germline.

NM_022489.4(INF2):c.3007G>A (p.Ala1003Thr)

Gene: INF2 (inverted formin 2; plus strand). Cytogenetic location: 14q32.33.
Variant type: single nucleotide variant.
Coding change: c.3007G>A on transcript NM_022489.4 (MANE Select); coding-DNA position 3007, G replaced by A.
Protein change: p.Ala1003Thr; replaces alanine 1003 with threonine.
Molecular consequence: missense variant. On other transcripts: non-coding transcript variant (1).
Genome position (GRCh38, 1-based): chr14:104,713,573, G>A. VCF-style: chr14-104713573-G-A. GRCh37 (hg19) VCF-style: chr14-105179910-G-A.
Other names: c.3007G>A, p.Ala1003Thr (NM_001031714.4, NM_001426862.1, NM_001426863.1 and 2 more transcripts); short protein forms A1003T.
Identifiers: ClinVar variation 3529031 (VCV003529031.2).